The following is an entry in ClinVar:

ClinVar aggregate classification (germline): Likely pathogenic (1 of 4 stars; one submission).

Conditions:
Dilated cardiomyopathy 1G (CMD1G). Identifiers: Orphanet 154, MedGen C1858763, MONDO:0011400, OMIM 604145.
Autosomal recessive limb-girdle muscular dystrophy type 2J (LGMDR10). Also called: Limb-girdle muscular dystrophy, type 2J; MUSCULAR DYSTROPHY, LIMB-GIRDLE, AUTOSOMAL RECESSIVE 10. Identifiers: Orphanet 140922, MedGen C1837342, MONDO:0012127, OMIM 608807.

Submission:

Labcorp Genetics (formerly Invitae), Labcorp
Classification: Likely pathogenic for Dilated cardiomyopathy 1G; Autosomal recessive limb-girdle muscular dystrophy type 2J. Last evaluated: 2024-04-04. Review status: criteria provided, single submitter. Criteria: Invitae Variant Classification Sherloc (09022015). Collection method: clinical testing. Allele origin: germline.
Comment: This sequence change creates a premature translational stop signal (p.Trp26913Lysfs*12) in the TTN gene. While this is not anticipated to result in nonsense mediated decay, it is expected to create a truncated TTN protein. This variant is not present in population databases (gnomAD no frequency). This variant has not been reported in the literature in individuals affected with TTN-related conditions. ClinVar contains an entry for this variant (Variation ID: 655789). This variant is located in the A band of TTN (PMID: 25589632). Truncating variants in this region are significantly overrepresented in patients affected with dilated cardiomyopathy (PMID: 25589632). Truncating variants in this region have also been reported in individuals affected with autosomal recessive centronuclear myopathy (PMID: 23975875). In summary, the currently available evidence indicates that the variant is pathogenic, but additional data are needed to prove that conclusively. Therefore, this variant has been classified as Likely Pathogenic.

Literature cited by the submitters: PubMed 25589632; PubMed 23975875.

NM_001267550.2(TTN):c.80736_80742del (p.Trp26913fs)

Genes: TTN (titin; minus strand), TTN-AS1 (TTN antisense RNA 1; plus strand). Cytogenetic location: 2q31.2.
Variant type: Deletion.
Coding change: c.80736_80742del on transcript NM_001267550.2 (MANE Select); coding-DNA positions 80736 to 80742, 7 bases deleted (TTGGGTC; older notation c.80736_80742delTTGGGTC).
Protein change: p.Trp26913fs; shifts the reading frame from tryptophan 26913.
Molecular consequence: frameshift variant.
Genome position (GRCh38, 1-based): chr2:178,565,390-178,565,396, GACCCAA deleted on the plus strand (TTGGGTC on the coding strand, the reverse complement: TTN is on the minus strand); deleting any 7 consecutive bases within chr2:178,565,390-178,565,398 gives the same sequence; the c. name uses the placement nearest the transcript's 3' end. VCF-style (leftmost placement, unchanged base first): chr2-178565389-TGACCCAA-T. GRCh37 (hg19) VCF-style: chr2-179430116-TGACCCAA-T.
Other names: c.80736_80742delTTGGGTC (NM_001267550.2); c.75813_75819del, p.Trp25272fs (NM_001256850.1); c.53541_53547del, p.Trp17848fs (NM_003319.4); c.73032_73038del, p.Trp24345fs (NM_133378.4); c.53916_53922del, p.Trp17973fs (NM_133432.3); c.54117_54123del, p.Trp18040fs (NM_133437.4); short protein forms W17848fs, W24345fs, W17973fs, W18040fs, W25272fs, W26913fs.
Identifiers: ClinVar variation 655789 (VCV000655789.13), dbSNP rs1575670635, ClinGen allele CA915942173.